The following is an entry in ClinVar:

NM_004448.4(ERBB2):c.2706G>C (p.Gln902His)

Gene: ERBB2 (erb-b2 receptor tyrosine kinase 2; plus strand). Cytogenetic location: 17q12.
Variant type: single nucleotide variant.
Coding change: c.2706G>C on transcript NM_004448.4 (MANE Select); coding-DNA position 2706, G replaced by C.
Protein change: p.Gln902His; replaces glutamine 902 with histidine.
Molecular consequence: missense variant. On other transcripts: non-coding transcript variant (1), intron variant (1).
Genome position (GRCh38, 1-based): chr17:39,725,383, G>C. VCF-style: chr17-39725383-G-C. GRCh37 (hg19) VCF-style: chr17-37881636-G-C.
Other names: c.2616G>C, p.Gln872His (NM_001005862.3, NM_001382782.1, NM_001382783.1); c.2661G>C, p.Gln887His (NM_001289936.2); c.2706G>C, p.Gln902His (NM_001289937.2, NM_001382796.1); c.2823G>C, p.Gln941His (NM_001382784.1); c.2808G>C, p.Gln936His (NM_001382785.1); c.2787G>C, p.Gln929His (NM_001382786.1); c.2781G>C, p.Gln927His (NM_001382787.1); c.2736G>C, p.Gln912His (NM_001382788.1); and 15 more; short protein forms Q872H, Q902H, Q887H, Q556H, Q626H, Q816H, Q834H, Q840H.
Identifiers: ClinVar variation 161622 (VCV000161622.2), dbSNP rs193920750, ClinGen allele CA174472.

ClinVar aggregate classification (germline): Uncertain significance (0 of 4 stars; one submission).

Conditions:
Prostate cancer. Also called: Malignant tumor of prostate. Identifiers: Orphanet 1331, MedGen C0376358, MONDO:0008315, HP:0012125.

Submission:

Science for Life laboratory,  Karolinska Institutet
Classification: Uncertain significance for Malignant tumor of prostate. Review status: no assertion criteria provided. Collection method: not provided. Allele origin: somatic.
Comment: TumorID:SWE-1
ClinVar note: Converted during submission from Unknown to Uncertain significance.